The following is an entry in ClinVar:

ClinVar aggregate classification (germline): Likely benign (1 of 4 stars; one submission).

Submission:

GeneDx
Classification: Likely benign. Last evaluated: 2021-05-24. Review status: criteria provided, single submitter. Criteria: GeneDx Variant Classification Process June 2021. Collection method: clinical testing. Allele origin: germline. Affected: yes.
Comment: See Variant Classification Assertion Criteria.

NM_002465.4(MYBPC1):c.1927+115_1927+116insGCCTAGAGGACTTTTTTTTTGT

Gene: MYBPC1 (myosin binding protein C1; plus strand). Cytogenetic location: 12q23.2.
Variant type: Insertion.
Coding change: c.1927+115_1927+116insGCCTAGAGGACTTTTTTTTTGT on transcript NM_002465.4 (MANE Select); bases 115 to 116 of the intron after coding-DNA position 1927, GCCTAGAGGACTTTTTTTTTGT inserted.
Molecular consequence: intron variant.
Genome position: GRCh38 VCF-style: chr12-101659945-T-TTGCCTAGAGGACTTTTTTTTTG. GRCh37 (hg19) VCF-style: chr12-102053723-T-TTGCCTAGAGGACTTTTTTTTTG.
Other names: c.1927+115_1927+116insGCCTAGAGGACTTTTTTTTTGT (NM_206819.4, NM_001404675.1); c.1852+115_1852+116insGCCTAGAGGACTTTTTTTTTGT (NM_001254718.3, NM_206820.4, NM_001254719.3 and 1 more transcripts); c.1795+115_1795+116insGCCTAGAGGACTTTTTTTTTGT (NM_001254721.3, NM_001404678.1, NM_001404676.1); c.1816+115_1816+116insGCCTAGAGGACTTTTTTTTTGT (NM_001254720.3); c.1813+115_1813+116insGCCTAGAGGACTTTTTTTTTGT (NM_001254723.3); c.1774+115_1774+116insGCCTAGAGGACTTTTTTTTTGT (NM_001254722.3, NM_001404680.1); c.1717+115_1717+116insGCCTAGAGGACTTTTTTTTTGT (NM_001404679.1, NM_001404681.1, NM_001404677.1).
Identifiers: ClinVar variation 2499842 (VCV002499842.1), dbSNP rs1555246230, ClinGen allele CA607148255.